The following is an entry in ClinVar:

ClinVar aggregate classification (germline): Uncertain significance (1 of 4 stars; one submission).

Submission:

Women's Health and Genetics/Laboratory Corporation of America, LabCorp
Classification: Uncertain significance. Last evaluated: 2026-03-24. Review status: criteria provided, single submitter. Criteria: LabCorp Variant Classification Summary - May 2015. Collection method: clinical testing. Allele origin: germline.
Comment: Variant summary: The variant involves the duplication of exons 1-10 in the USP18 gene. A presumed nomenclature of c.(?_-160)_(1073+1_1074-1)dup has been designated for the purposes of this classification. The exact breakpoint at the 5' end of this variant is unknown, therefore this duplication may extend upstream of the annotated region of this gene. It is predicted to duplicate a segment including the initiation codon, therefore its impact on the encoded protein is unknown. A large duplication which encompasses the entire gene (together with a part of the neighboring USP18 gene) was found at a frequency of 0.00036 in 120092 control chromosomes. This frequency is not significantly higher than estimated for disease-causing variants in USP18, allowing no conclusion about variant significance. To our knowledge, no occurrence of c.(?_-160)_(1073+1_1074-1)dup in individuals affected with USP18-related conditions and no experimental evidence demonstrating its impact on protein function have been reported. No submitters have cited clinical-significance assessments for this variant to ClinVar. Based on the evidence outlined above, the variant was classified as uncertain significance.

NC_000022.10:g.(?_18632936)_(18656610_18659538)dup

Gene: USP18 (ubiquitin specific peptidase 18; plus strand). Cytogenetic location: 22q11.21.
Variant type: Duplication.
Identifiers: ClinVar variation 4847702 (VCV004847702.1).